The following is an entry in ClinVar:

ClinVar aggregate classification (germline): Likely benign. Review status: criteria provided, multiple submitters, no conflicts (2 of 4 stars). 5 submissions from 5 submitters: Likely benign (5). Last evaluated 2026-02-01.

Allele frequency attached by ClinVar (database versions not stated): TOPMed 0.00002; gnomAD 0.00003 and 0.00004; gnomAD exomes 0.00006; ExAC 0.00007; ESP Exome Variant Server 0.00008.
gnomAD v4.1: 296 of 1,614,116 alleles (0.018%); highest among the groups gnomAD compares: Non-Finnish European, 0.025%; no homozygotes.

Submissions (5):

CeGaT Center for Human Genetics Tuebingen
Classification: Likely benign. Last evaluated: 2026-02-01. Review status: criteria provided, single submitter. Criteria: CeGaT Center For Human Genetics Tuebingen Variant Classification Criteria Version 2. Collection method: clinical testing. Allele origin: germline. Affected: yes. Observed: 1 variant allele.
Comment: MTOR: BP4, BS2

Women's Health and Genetics/Laboratory Corporation of America, LabCorp
Classification: Likely benign. Last evaluated: 2025-11-11. Review status: criteria provided, single submitter. Criteria: LabCorp Variant Classification Summary - May 2015. Collection method: clinical testing. Allele origin: germline.

Labcorp Genetics (formerly Invitae), Labcorp
Classification: Likely benign. Last evaluated: 2025-05-01. Review status: criteria provided, single submitter. Criteria: Invitae Variant Classification Sherloc (09022015). Collection method: clinical testing. Allele origin: germline.

Blueprint Genetics
Classification: Likely benign. Last evaluated: 2024-09-12. Review status: criteria provided, single submitter. Criteria: ACMG Guidelines, 2015. Collection method: clinical testing. Allele origin: germline.

GeneDx
Classification: Likely benign. Last evaluated: 2021-03-26. Review status: criteria provided, single submitter. Criteria: GeneDx Variant Classification Process June 2021. Collection method: clinical testing. Allele origin: germline. Affected: yes.

NM_004958.4(MTOR):c.2073G>A (p.Glu691=)

Gene: MTOR (mechanistic target of rapamycin kinase; minus strand). Cytogenetic location: 1p36.22.
Variant type: single nucleotide variant.
Coding change: c.2073G>A on transcript NM_004958.4 (MANE Select); coding-DNA position 2073, G replaced by A.
Protein change: p.Glu691=; no amino-acid change (glutamic acid 691 retained).
Molecular consequence: synonymous variant.
Genome position (GRCh38, 1-based): chr1:11,237,978, C>T on the plus strand (G>A on the coding strand, the complement: MTOR is on the minus strand). VCF-style: chr1-11237978-C-T. GRCh37 (hg19) VCF-style: chr1-11298035-C-T.
Identifiers: ClinVar variation 700616 (VCV000700616.18), dbSNP rs200228176, ClinGen allele CA590574.
Genomic context (GRCh38, chr1:11,237,978, plus strand): 5'-GGCCAGCTCCCGGATCTCAAACACCTGGTCATTCAGAGCCACAAACAAGGCCTGCAAGTT[C>T]TCCGCCTGGGCCAGGTGTGCATCAAAGCGCTCGTCCAGGGACGCCAAGACACAGTAGCGA-3'
Protein context (NP_004949.1, residues 681-701): ERFDAHLAQA[Glu691=]NLQALFVALN